The following is an entry in ClinVar:

ClinVar aggregate classification (germline): Uncertain significance (1 of 4 stars; one submission).

Conditions:
Hypotonia, hypoventilation, impaired intellectual development, dysautonomia, epilepsy, and eye abnormalities. Also called: HYPOTONIA, HYPERVENTILATION, IMPAIRED INTELLECTUAL DEVELOPMENT, DYSAUTONOMIA, EPILEPSY, AND EYE ABNORMALITIES. Identifiers: MedGen C5193124, MONDO:0032780, OMIM 618493.

gnomAD v4.1: 1 of 1,613,040 alleles (0.000062%); highest among the groups gnomAD compares: Non-Finnish European, 0.000085%; no homozygotes.

Submission:

Neuberg Centre For Genomic Medicine, NCGM
Classification: Uncertain significance for Hypotonia, hypoventilation, impaired intellectual development, dysautonomia, epilepsy, and eye abnormalities. Review status: criteria provided, single submitter. Criteria: ACMG Guidelines, 2015. Collection method: clinical testing. Allele origin: germline. Inheritance: Autosomal recessive inheritance. Affected: yes.
Comment: The observed missense c.436G>Ap.Glu146Lys variant, lying in the splice region of P4HTM gene has not been reported previously as a pathogenic variant nor a benign variant, to our knowledge. The p.Glu146Lys variant is absent in gnomAD Exomes. This variant has not been submitted to the ClinVar database. Multiple lines of computational evidences Polyphen - Possibly damaging, SIFT - Damaging and MutationTaster - Disease causing predict a damaging effect on protein structure and function for this variant. The reference amino acid change at this positionon P4HTM gene is predicted as conserved by GERP++ and PhyloP across 100 vertebrates. The amino acid Glu at position 146 is changed to a Lys changing protein sequence and it might alter its composition and physico-chemical properties. For these reasons, this variant has been classified as a Variant of Uncertain Significance VUS.

NM_177939.3(P4HTM):c.436G>A (p.Glu146Lys)

Gene: P4HTM (prolyl 4-hydroxylase, transmembrane; plus strand). Cytogenetic location: 3p21.31.
Variant type: single nucleotide variant.
Coding change: c.436G>A on transcript NM_177939.3 (MANE Select); coding-DNA position 436, G replaced by A.
Protein change: p.Glu146Lys; replaces glutamic acid 146 with lysine.
Molecular consequence: missense variant.
Genome position (GRCh38, 1-based): chr3:48,990,914, G>A. VCF-style: chr3-48990914-G-A. GRCh37 (hg19) VCF-style: chr3-49028347-G-A.
Other names: c.436G>A, p.Glu146Lys (NM_177938.2); short protein forms E146K.
Identifiers: ClinVar variation 3391262 (VCV003391262.1).
Genomic context (GRCh38, chr3:48,990,914, plus strand): 5'-CAGCTGGTCACCGACAGGGATCACTTCATCCGAACCCTCAGCCTCAAGCCGCTGCTCTTC[G>A]GTAAGTCCGCCAGATACTCCTGGGAAGGGCCAGGGGCTGCGGTTTGGTGGCCACCTTGAG-3'
Protein context (NP_808808.1, residues 136-156): RTLSLKPLLF[Glu146Lys]IPGFLTDEEC